The following is an entry in ClinVar:

NM_032043.3(BRIP1):c.1805A>T (p.Asp602Val)

Gene: BRIP1 (BRCA1 interacting DNA helicase 1; minus strand). Cytogenetic location: 17q23.2.
Variant type: single nucleotide variant.
Coding change: c.1805A>T on transcript NM_032043.3 (MANE Select); coding-DNA position 1805, A replaced by T.
Protein change: p.Asp602Val; replaces aspartic acid 602 with valine.
Molecular consequence: missense variant.
Genome position (GRCh38, 1-based): chr17:61,780,391, T>A on the plus strand (A>T on the coding strand, the complement: BRIP1 is on the minus strand). VCF-style: chr17-61780391-T-A. GRCh37 (hg19) VCF-style: chr17-59857752-T-A.
Other names: short protein forms D602V.
Identifiers: ClinVar variation 4783549 (VCV004783549.1).

ClinVar aggregate classification (germline): Uncertain significance (1 of 4 stars; one submission).

Conditions:
Fanconi anemia complementation group J. Also called: BRIP1-Related Fanconi Anemia. Identifiers: Orphanet 84, MedGen C1836860, MONDO:0012187, OMIM 609054.
Familial cancer of breast. Also called: Hereditary breast cancer; hereditary breast carcinoma; BREAST CANCER, FAMILIAL. Identifiers: Orphanet 227535, MedGen C0346153, MONDO:0016419, OMIM 114480. Disease mechanism: loss of function.

gnomAD v4.1: 1 of 1,610,052 alleles (0.000062%); highest among the groups gnomAD compares: South Asian, 0.0011%; no homozygotes.

Submission:

Labcorp Genetics (formerly Invitae), Labcorp
Classification: Uncertain significance for Familial cancer of breast; Fanconi anemia complementation group J. Last evaluated: 2025-09-03. Review status: criteria provided, single submitter. Criteria: Invitae Variant Classification Sherloc (09022015). Collection method: clinical testing. Allele origin: germline.
Comment: This sequence change replaces aspartic acid, which is acidic and polar, with valine, which is neutral and non-polar, at codon 602 of the BRIP1 protein (p.Asp602Val). This variant is not present in population databases (gnomAD no frequency). This variant has not been reported in the literature in individuals affected with BRIP1-related conditions. Invitae Evidence Modeling of protein sequence and biophysical properties (such as structural, functional, and spatial information, amino acid conservation, physicochemical variation, residue mobility, and thermodynamic stability) has been performed for this missense variant. However, the output from this modeling did not meet the statistical confidence thresholds required to predict the impact of this variant on BRIP1 protein function. In summary, the available evidence is currently insufficient to determine the role of this variant in disease. Therefore, it has been classified as a Variant of Uncertain Significance.